The following is an entry in ClinVar:

NM_002617.4(PEX10):c.703C>T (p.Gln235Ter)

Gene: PEX10 (peroxisomal biogenesis factor 10; minus strand). Cytogenetic location: 1p36.32.
Variant type: single nucleotide variant.
Coding change: c.703C>T on transcript NM_002617.4 (MANE Select); coding-DNA position 703, C replaced by T.
Protein change: p.Gln235Ter; replaces glutamine 235 with a stop codon.
Molecular consequence: nonsense. On other transcripts: non-coding transcript variant (1).
Genome position (GRCh38, 1-based): chr1:2,406,793, G>A on the plus strand (C>T on the coding strand, the complement: PEX10 is on the minus strand). VCF-style: chr1-2406793-G-A. GRCh37 (hg19) VCF-style: chr1-2338232-G-A.
Other names: c.760C>T, p.Gln254Ter (NM_001374425.1); c.328C>T, p.Gln110Ter (NM_001374426.1); c.271C>T, p.Gln91Ter (NM_001374427.1); c.763C>T, p.Gln255Ter (NM_153818.2); c.763C>T (NM_153818.1); short protein forms Q110*, Q235*, Q254*, Q255*, Q91*.
Identifiers: ClinVar variation 1070709 (VCV001070709.8), dbSNP rs1295555837, ClinGen allele CA337985354.

ClinVar aggregate classification (germline): Pathogenic/Likely pathogenic. Review status: criteria provided, multiple submitters, no conflicts (2 of 4 stars). 3 submissions from 3 submitters: Pathogenic (1); Likely pathogenic (2). Last evaluated 2024-07-01.

Conditions:
Zellweger spectrum disorders (ZS). Also called: Zellweger syndrome; Zellweger Spectrum Disorder; Zellweger Spectrum; Zellweger Spectrum Disorder (ZSD). Identifiers: Orphanet 912, MedGen C0043459, MONDO:0019609.
Peroxisome biogenesis disorder 6A (Zellweger). Also called: Peroxisome biogenesis disorder 6A. Identifiers: Orphanet 912, MedGen C3553947, MONDO:0013936, OMIM 614870.
Peroxisome biogenesis disorder, complementation group 7 (CG7). Also called: Peroxisome biogenesis disorder, complementation group B. Identifiers: MedGen C1864399.

Allele frequency attached by ClinVar (database versions not stated): gnomAD exomes below 0.00001.
gnomAD v4.1: 4 of 1,610,758 alleles (0.00025%); highest among the groups gnomAD compares: Non-Finnish European, 0.00034%; no homozygotes.

Submissions (3):

Natera, Inc.
Classification: Likely pathogenic for Zellweger syndrome. Last evaluated: 2024-07-01. Review status: criteria provided, single submitter. Criteria: Natera Variant Classification Schema (03/2026). Collection method: clinical testing. Allele origin: germline.
Comment: The c.763C>T variant in PEX10 is a nonsense variant predicted to introduce a stop codon at amino acid 255. This variant is expected to result in nonsense mediated decay, truncation, or a dysfunctional protein product. This variant is rare in the general population with a frequency below the threshold expected for the associated phenotype(s). Given the available evidence, this variant is classified as Likely Pathogenic.

Baylor Genetics
Classification: Likely pathogenic for Peroxisome biogenesis disorder 6A (Zellweger). Last evaluated: 2024-01-10. Review status: criteria provided, single submitter. Criteria: ACMG Guidelines, 2015. Collection method: clinical testing. Allele origin: unknown.

Labcorp Genetics (formerly Invitae), Labcorp
Classification: Pathogenic for Peroxisome biogenesis disorder, complementation group 7. Last evaluated: 2023-05-27. Review status: criteria provided, single submitter. Criteria: Invitae Variant Classification Sherloc (09022015). Collection method: clinical testing. Allele origin: germline.
Comment: This variant is present in population databases (no rsID available, gnomAD 0.0009%). This sequence change creates a premature translational stop signal (p.Gln255*) in the PEX10 gene. It is expected to result in an absent or disrupted protein product. Loss-of-function variants in PEX10 are known to be pathogenic (PMID: 9683594, 10862081, 21031596). This variant has not been reported in the literature in individuals affected with PEX10-related conditions. ClinVar contains an entry for this variant (Variation ID: 1070709). For these reasons, this variant has been classified as Pathogenic.

Literature cited by the submitters: PubMed 9683594 (cited by Labcorp Genetics (formerly Invitae), Labcorp); PubMed 10862081 (cited by Labcorp Genetics (formerly Invitae), Labcorp); PubMed 21031596 (cited by Labcorp Genetics (formerly Invitae), Labcorp).